The following is an entry in ClinVar:

NM_003002.4(SDHD):c.23G>C (p.Ser8Thr)

Genes: SDHD (succinate dehydrogenase complex subunit D; plus strand), LOC126861339 (BRD4-independent group 4 enhancer GRCh37_chr11:111957035-111958234; plus strand). Cytogenetic location: 11q23.1.
Variant type: single nucleotide variant.
Coding change: c.23G>C on transcript NM_003002.4 (MANE Select); coding-DNA position 23, G replaced by C.
Protein change: p.Ser8Thr; replaces serine 8 with threonine.
Molecular consequence: missense variant. On other transcripts: non-coding transcript variant (1).
Genome position (GRCh38, 1-based): chr11:112,086,930, G>C. VCF-style: chr11-112086930-G-C. GRCh37 (hg19) VCF-style: chr11-111957654-G-C.
Other names: c.23G>C, p.Ser8Thr (NM_001276503.2, NM_001276504.2, NM_001276506.2); short protein forms S8T.
Identifiers: ClinVar variation 3753757 (VCV003753757.2).

ClinVar aggregate classification (germline): Uncertain significance (1 of 4 stars; one submission).

Conditions:
Pheochromocytoma. Also called: MAX-Related Hereditary Paraganglioma-Pheochromocytoma Syndrome. Identifiers: Orphanet 29072, MedGen C0031511, MONDO:0008233, OMIM 171300, HP:0002666.
Paragangliomas with sensorineural hearing loss. Identifiers: MedGen C1868633.
Carney-Stratakis syndrome. Also called: PARAGANGLIOMA AND GASTROINTESTINAL STROMAL TUMOR. Identifiers: Orphanet 97286, MedGen C1847319, MONDO:0011740, OMIM 606864.
Cowden syndrome 3 (CWS3). Identifiers: Orphanet 201, MedGen CN166604, MONDO:0014045.

Submission:

Labcorp Genetics (formerly Invitae), Labcorp
Classification: Uncertain significance for Carney-Stratakis syndrome; Paragangliomas with sensorineural hearing loss; Pheochromocytoma; Cowden syndrome 3. Last evaluated: 2024-08-22. Review status: criteria provided, single submitter. Criteria: Invitae Variant Classification Sherloc (09022015). Collection method: clinical testing. Allele origin: germline.
Comment: This sequence change replaces serine, which is neutral and polar, with threonine, which is neutral and polar, at codon 8 of the SDHD protein (p.Ser8Thr). This variant is not present in population databases (gnomAD no frequency). This variant has not been reported in the literature in individuals affected with SDHD-related conditions. Invitae Evidence Modeling of protein sequence and biophysical properties (such as structural, functional, and spatial information, amino acid conservation, physicochemical variation, residue mobility, and thermodynamic stability) indicates that this missense variant is not expected to disrupt SDHD protein function with a negative predictive value of 95%. In summary, the available evidence is currently insufficient to determine the role of this variant in disease. Therefore, it has been classified as a Variant of Uncertain Significance.